The following is an entry in ClinVar:

ClinVar aggregate classification (germline): Pathogenic. Review status: criteria provided, single submitter (1 of 4 stars). 2 submissions from 2 submitters: Pathogenic (1). 1 of the submissions does not count toward it. Last evaluated 2018-04-20.

Conditions:
Tuberous sclerosis syndrome (TSC). Also called: Tuberous Sclerosis Complex; Tuberous sclerosis. Identifiers: Orphanet 805, MedGen C0041341, MONDO:0001734.

Submissions (2):

Laboratory for Molecular Medicine, Mass General Brigham Personalized Medicine
Classification: Pathogenic for Tuberous sclerosis syndrome. Last evaluated: 2018-04-20. Review status: criteria provided, single submitter. Criteria: LMM Criteria. Collection method: clinical testing. Allele origin: germline. Inheritance: Autosomal dominant inheritance. Observed: 1 variant allele.
Comment: The p.Ser1072fs variant in TSC2 has been reported in one individual with tuberou s sclerosis complex (TSC), segregated with disease in 2 relatives (Dabora 2001, Franz 2001, LOVD TSC2 database), an d was absent from large population studies. This variant is predicted to cause a frameshift, which alters the protein?s amino acid sequence beginning at positio n 1072 and leads to a premature termination codon 10 amino acids downstream. Thi s alteration is then predicted to lead to a truncated or absent protein. Heteroz ygous loss of function of the TSC2 gene is an established disease mechanism in i ndividuals with TSC. In summary, this variant meets criteria to be classified as pathogenic for TSC in an autosomal dominant manner based upon its presence in a ffected individuals, absence in the general population and the predicted impact on the protein. ACMG/AMP Criteria applied: PVS1, PM2, PS4_Supporting.

Tuberous sclerosis database (TSC2)
No classification provided. Condition: TSC. Review status: no classification provided. Criteria: Tuberous Sclerosis Database Assertion Criteria 2015. Collection method: curation. Allele origin: germline. Affected: yes. Not counted in ClinVar's aggregate classification.

Literature cited by the submitters: PubMed 11112665 (cited by Laboratory for Molecular Medicine, Mass General Brigham Personalized Medicine); PubMed 11520734 (cited by Laboratory for Molecular Medicine, Mass General Brigham Personalized Medicine).

NM_000548.5(TSC2):c.3214del (p.Ser1072fs)

Gene: TSC2 (TSC complex subunit 2; plus strand). Cytogenetic location: 16p13.3.
Variant type: Deletion.
Coding change: c.3214del on transcript NM_000548.5 (MANE Select); coding-DNA position 3214, one base deleted (A; older notation c.3214delA).
Protein change: p.Ser1072fs; shifts the reading frame from serine 1072.
Molecular consequence: frameshift variant.
Genome position (GRCh38, 1-based): chr16:2,079,358, A deleted; the last of 2 consecutive A bases (chr16:2,079,357-2,079,358); deleting either gives the same sequence. VCF-style (leftmost placement, unchanged base first): chr16-2079356-CA-C. GRCh37 (hg19) VCF-style: chr16-2129357-CA-C.
Other names: c.3082del, p.Ser1028fs (NM_001077183.3, NM_001370404.1); c.3214del, p.Ser1072fs (NM_001114382.3); c.2974del, p.Ser992fs (NM_001318827.2); c.2938del, p.Ser980fs (NM_001318829.2); c.2482del, p.Ser828fs (NM_001318831.2); c.3115del, p.Ser1039fs (NM_001318832.2); c.3085del, p.Ser1029fs (NM_001363528.2, NM_001370405.1, NM_021055.3); short protein forms S1028fs, S1039fs, S992fs, S980fs, S1029fs, S1072fs, S828fs.
Identifiers: ClinVar variation 49802 (VCV000049802.6), dbSNP rs137854106, ClinGen allele CA018695.